The following is an entry in ClinVar:

NM_000090.4(COL3A1):c.2036C>G (p.Ala679Gly)

Gene: COL3A1 (collagen type III alpha 1 chain; plus strand). Cytogenetic location: 2q32.2.
Variant type: single nucleotide variant.
Coding change: c.2036C>G on transcript NM_000090.4 (MANE Select); coding-DNA position 2036, C replaced by G.
Protein change: p.Ala679Gly; replaces alanine 679 with glycine.
Molecular consequence: missense variant.
Genome position (GRCh38, 1-based): chr2:188,999,298, C>G. VCF-style: chr2-188999298-C-G. GRCh37 (hg19) VCF-style: chr2-189864024-C-G.
Other names: short protein forms A679G.
Identifiers: ClinVar variation 4847476 (VCV004847476.1).

ClinVar aggregate classification (germline): Uncertain significance (1 of 4 stars; one submission).

gnomAD v4.1: 1 of 1,577,282 alleles (0.000063%); highest among the groups gnomAD compares: Non-Finnish European, 0.000086%; no homozygotes.

Submission:

Women's Health and Genetics/Laboratory Corporation of America, LabCorp
Classification: Uncertain significance. Last evaluated: 2026-03-04. Review status: criteria provided, single submitter. Criteria: LabCorp Variant Classification Summary - May 2015. Collection method: clinical testing. Allele origin: germline.
Comment: Variant summary: COL3A1 c.2036C>G (p.Ala679Gly) results in a non-conservative amino acid change in the encoded protein sequence. Algorithms developed to predict the effect of missense changes on protein structure and function all suggest that this variant is likely to be disruptive. The variant was absent in 188674 control chromosomes. The available data on variant occurrences in the general population are insufficient to allow any conclusion about variant significance. To our knowledge, no occurrence of c.2036C>G in individuals affected with COL3A1-related conditions and no experimental evidence demonstrating its impact on protein function have been reported. No submitters have cited clinical-significance assessments for this variant to ClinVar. Based on the evidence outlined above, the variant was classified as uncertain significance.